The following is an entry in ClinVar:

ClinVar aggregate classification (germline): Uncertain significance (1 of 4 stars; one submission).

Conditions:
Hereditary cancer-predisposing syndrome. Also called: Neoplastic Syndromes, Hereditary; Hereditary Cancer Syndrome; Hereditary neoplastic syndrome; Tumor predisposition. Identifiers: Orphanet 140162, MedGen C0027672, MeSH D009386, MONDO:0015356.

Allele frequency attached by ClinVar (database versions not stated): gnomAD exomes below 0.00001.
gnomAD v4.1: 1 of 1,613,156 alleles (0.000062%); highest among the groups gnomAD compares: Non-Finnish European, 0.000085%; no homozygotes.

Submission:

Ambry Genetics
Classification: Uncertain significance for Hereditary cancer-predisposing syndrome. Last evaluated: 2016-12-21. Review status: criteria provided, single submitter. Criteria: Ambry Variant Classification Scheme 2023. Collection method: clinical testing. Allele origin: germline.
Comment: The p.K618E variant (also known as c.1852A>G), located in coding exon 11 of the ATM gene, results from an A to G substitution at nucleotide position 1852. The lysine at codon 618 is replaced by glutamic acid, an amino acid with similar properties. This amino acid position is highly conserved in available vertebrate species. In addition, this alteration is predicted to be deleterious by in silico analysis. Since supporting evidence is limited at this time, the clinical significance of this alteration remains unclear.

NM_000051.4(ATM):c.1852A>G (p.Lys618Glu)

Gene: ATM (ATM serine/threonine kinase; plus strand). Cytogenetic location: 11q22.3.
Variant type: single nucleotide variant.
Coding change: c.1852A>G on transcript NM_000051.4 (MANE Select); coding-DNA position 1852, A replaced by G.
Protein change: p.Lys618Glu; replaces lysine 618 with glutamic acid.
Molecular consequence: missense variant.
Genome position (GRCh38, 1-based): chr11:108,252,866, A>G. VCF-style: chr11-108252866-A-G. GRCh37 (hg19) VCF-style: chr11-108123593-A-G.
Other names: c.1852A>G, p.Lys618Glu (NM_001351834.2); short protein forms K618E.
Identifiers: ClinVar variation 479062 (VCV000479062.5), dbSNP rs1555072538, ClinGen allele CA382535879.
Genomic context (GRCh38, chr11:108,252,866, plus strand): 5'-TTTCTTTGTAGTAATTTTCCTCATCTTGTACTGGAGAAAATTCTTGTGAGTCTCACTATG[A>G]AAAACTGTAAAGCTGCAATGAATTTTTTCCAAAGCGTGCCAGAATGGTATGTTATCTAAT-3'
Protein context (NP_000042.3, residues 608-628): LEKILVSLTM[Lys618Glu]NCKAAMNFFQ